The following is an entry in ClinVar:

NM_000179.3(MSH6):c.3173-12_3173-9del

Gene: MSH6 (mutS homolog 6; plus strand). Cytogenetic location: 2p16.3.
Variant type: Microsatellite.
Coding change: c.3173-12_3173-9del on transcript NM_000179.3 (MANE Select); 12 bases into the intron before coding-DNA position 3173 through 9 bases into the intron before coding-DNA position 3173, 4 bases deleted (CTCT; older notation c.3173-12_3173-9delCTCT).
Molecular consequence: intron variant.
Genome position (GRCh38, 1-based): chr2:47,803,408-47,803,411, CTCT deleted; deleting any 4 consecutive bases within chr2:47,803,406-47,803,411 gives the same sequence; the c. name uses the placement nearest the transcript's 3' end. VCF-style (leftmost placement, unchanged base first): chr2-47803405-CCTCT-C. GRCh37 (hg19) VCF-style: chr2-48030544-CCTCT-C.
Other names: c.3173-12_3173-9del (NM_001406809.1, NM_001406796.1, NM_001406808.1 and 1 more transcripts); c.2267-12_2267-9del (NM_001406811.1, NM_001406814.1, NM_001281493.2 and 6 more transcripts); c.2876-12_2876-9del (NM_001406805.1, NM_001406797.1, NM_001406801.1 and 10 more transcripts); c.3269-12_3269-9del (NM_001406795.1, NM_001406802.1); c.3179-12_3179-9del (NM_001406813.1); c.2648-12_2648-9del (NM_001406807.1, NM_001406799.1, NM_001406806.1); c.3173-186_3173-183del (NM_001406798.1); c.2309-12_2309-9del (NM_001406803.1); and 7 more.
Identifiers: ClinVar variation 2804545 (VCV002804545.3), dbSNP rs746607182, ClinGen allele CA2739274378.
Genomic context (GRCh38, chr2:47,803,405, plus strand): 5'-AGAAGACCTATAAAACACTTAGGCTGATAAAACCCCCAAACGATGAAGCCTCACTTTTAC[CCTCT>C]CTTTTAACAGATGTTTTACTGTGCCTGGCTAACTATAGTCGAGGGGGTGATGGTCCTATG-3'

ClinVar aggregate classification (germline): Uncertain significance (1 of 4 stars; one submission).

Conditions:
Hereditary nonpolyposis colorectal neoplasms. Identifiers: MedGen C0009405, MeSH D003123.

Submission:

Labcorp Genetics (formerly Invitae), Labcorp
Classification: Uncertain significance for Hereditary nonpolyposis colorectal neoplasms. Last evaluated: 2023-04-06. Review status: criteria provided, single submitter. Criteria: Invitae Variant Classification Sherloc (09022015). Collection method: clinical testing. Allele origin: germline.
Comment: This variant is not present in population databases (gnomAD no frequency). This sequence change falls in intron 4 of the MSH6 gene. It does not directly change the encoded amino acid sequence of the MSH6 protein. This variant has not been reported in the literature in individuals affected with MSH6-related conditions. Studies have shown that this variant is associated with altered splicing resulting in unknown protein product impact (Invitae). In summary, the available evidence is currently insufficient to determine the role of this variant in disease. Therefore, it has been classified as a Variant of Uncertain Significance.